The following is an entry in ClinVar:

ClinVar aggregate classification (germline): Benign. Review status: criteria provided, multiple submitters, no conflicts (2 of 4 stars). 3 submissions from 3 submitters: Benign (3). Last evaluated 2026-06-01.

Allele frequency attached by ClinVar (database versions not stated): 1000 Genomes Project 30x 0.00468; 1000 Genomes Project 0.00479; gnomAD 0.00732 and 0.00743; TOPMed 0.00770; ESP Exome Variant Server 0.00864; gnomAD exomes 0.00869 and 0.01032; ExAC 0.01316.
gnomAD v4.1: 16,068 of 1,600,228 alleles (1%); highest among the groups gnomAD compares: Non-Finnish European, 1.2%; 105 homozygotes.

Submissions (3):

CeGaT Center for Human Genetics Tuebingen
Classification: Benign. Last evaluated: 2026-06-01. Review status: criteria provided, single submitter. Criteria: CeGaT Center For Human Genetics Tuebingen Variant Classification Criteria Version 2. Collection method: clinical testing. Allele origin: germline. Affected: yes. Observed: 13 variant alleles.
Comment: CEP250: BP4, BS1, BS2

Labcorp Genetics (formerly Invitae), Labcorp
Classification: Benign. Last evaluated: 2026-01-29. Review status: criteria provided, single submitter. Criteria: Invitae Variant Classification Sherloc (09022015). Collection method: clinical testing. Allele origin: germline.

Breakthrough Genomics
Classification: Benign. Review status: criteria provided, single submitter. Criteria: ACMG Guidelines, 2015. Collection method: not provided. Allele origin: germline. Inheritance: Autosomal recessive inheritance. Affected: yes.

NM_007186.6(CEP250):c.5879G>A (p.Arg1960Gln)

Gene: CEP250 (centrosomal protein 250; plus strand). Cytogenetic location: 20q11.22.
Variant type: single nucleotide variant.
Coding change: c.5879G>A on transcript NM_007186.6 (MANE Select); coding-DNA position 5879, G replaced by A.
Protein change: p.Arg1960Gln; replaces arginine 1960 with glutamine.
Molecular consequence: missense variant.
Genome position (GRCh38, 1-based): chr20:35,504,248, G>A. VCF-style: chr20-35504248-G-A. GRCh37 (hg19) VCF-style: chr20-34092076-G-A.
Other names: c.3983G>A, p.Arg1328Gln (NM_001318219.1); short protein forms R1328Q, R1960Q.
Identifiers: ClinVar variation 1164637 (VCV001164637.33), dbSNP rs56259282, ClinGen allele CA9833956.